The following is an entry in ClinVar:

ClinVar aggregate classification (germline): Conflicting classifications of pathogenicity. Review status: criteria provided, conflicting classifications (1 of 4 stars). 7 submissions from 4 submitters: Uncertain significance (3); Benign (2); Likely benign (2). Last evaluated 2026-01-19.

Conditions:
Age related macular degeneration 4. Identifiers: MedGen C1853147, MONDO:0012540, OMIM 610698.
Basal laminar drusen. Also called: DRUSEN OF BRUCH MEMBRANE; DRUSEN, CUTICULAR; DRUSEN, EARLY ADULT-ONSET, GROUPED. Identifiers: Orphanet 75376, MedGen C0730295, MONDO:0007472, OMIM 126700.
CFH-Related Dense Deposit Disease / Membranoproliferative Glomerulonephritis Type II. Identifiers: MedGen CN071292.
Hemolytic uremic syndrome, atypical, susceptibility to, 1. Also called: AHUS, SUSCEPTIBILITY TO, 1. Identifiers: Orphanet 2134, Orphanet 90038, MedGen C2749604, MONDO:0009335, OMIM 235400. Disease mechanism: Other.

Allele frequency attached by ClinVar (database versions not stated): gnomAD exomes 0.00006 and 0.00011; ExAC 0.00010; 1000 Genomes Project 0.00040; TOPMed 0.00040; gnomAD 0.00048 and 0.00052; 1000 Genomes Project 30x 0.00062.
gnomAD v4.1: 176 of 1,551,772 alleles (0.011%); highest among the groups gnomAD compares: African/African-American, 0.19%; 1 homozygote.

Submissions (7):

Labcorp Genetics (formerly Invitae), Labcorp
Classification: Benign. Last evaluated: 2026-01-19. Review status: criteria provided, single submitter. Criteria: Invitae Variant Classification Sherloc (09022015). Collection method: clinical testing. Allele origin: germline.

Women's Health and Genetics/Laboratory Corporation of America, LabCorp
Classification: Likely benign. Last evaluated: 2024-12-06. Review status: criteria provided, single submitter. Criteria: LabCorp Variant Classification Summary - May 2015. Collection method: clinical testing. Allele origin: germline.

Blueprint Genetics
Classification: Likely benign. Last evaluated: 2023-12-27. Review status: criteria provided, single submitter. Criteria: ACMG Guidelines, 2015. Collection method: clinical testing. Allele origin: germline.

Illumina Laboratory Services, Illumina
Classification: Benign for Hemolytic uremic syndrome, atypical, susceptibility to, 1. Last evaluated: 2018-01-12. Review status: criteria provided, single submitter. Criteria: ICSL Variant Classification Criteria 13 December 2019. Collection method: clinical testing. Allele origin: germline.
Comment: This variant was observed in the ICSL laboratory as part of a predisposition screen in an ostensibly healthy population. It had not been previously curated by ICSL or reported in the Human Gene Mutation Database (HGMD: prior to June 1st, 2018), and was therefore a candidate for classification through an automated scoring system. Utilizing variant allele frequency, disease prevalence and penetrance estimates, and inheritance mode, an automated score was calculated to assess if this variant is too frequent to cause the disease. Based on the score and internal cut-off values, a variant classified as benign is not then subjected to further curation. The score for this variant resulted in a classification of benign for this disease.

Illumina Laboratory Services, Illumina
Classification: Uncertain significance for Membranoproliferative glomerulonephritis with complement factor h deficiency. Last evaluated: 2018-01-12. Review status: criteria provided, single submitter. Criteria: ICSL Variant Classification Criteria 13 December 2019. Collection method: clinical testing. Allele origin: germline.

Illumina Laboratory Services, Illumina
Classification: Uncertain significance for Basal laminar drusen. Last evaluated: 2018-01-12. Review status: criteria provided, single submitter. Criteria: ICSL Variant Classification Criteria 13 December 2019. Collection method: clinical testing. Allele origin: germline.

Illumina Laboratory Services, Illumina
Classification: Uncertain significance for Age related macular degeneration 4. Last evaluated: 2018-01-12. Review status: criteria provided, single submitter. Criteria: ICSL Variant Classification Criteria 13 December 2019. Collection method: clinical testing. Allele origin: germline.

NM_000186.4(CFH):c.245-15T>C

Gene: CFH (complement factor H; plus strand). Cytogenetic location: 1q31.3.
Variant type: single nucleotide variant.
Coding change: c.245-15T>C on transcript NM_000186.4 (MANE Select); 15 bases into the intron before coding-DNA position 245, T replaced by C.
Molecular consequence: intron variant.
Genome position (GRCh38, 1-based): chr1:196,673,842, T>C. VCF-style: chr1-196673842-T-C. GRCh37 (hg19) VCF-style: chr1-196642972-T-C.
Other names: c.245-15T>C (NM_001014975.3).
Identifiers: ClinVar variation 874979 (VCV000874979.13), dbSNP rs200079172, ClinGen allele CA1304994.